The following is an entry in ClinVar:

NM_000075.4(CDK4):c.276G>T (p.Val92=)

Gene: CDK4 (cyclin dependent kinase 4; minus strand). Cytogenetic location: 12q14.1.
Variant type: single nucleotide variant.
Coding change: c.276G>T on transcript NM_000075.4 (MANE Select); coding-DNA position 276, G replaced by T.
Protein change: p.Val92=; no amino-acid change (valine 92 retained).
Molecular consequence: synonymous variant.
Genome position (GRCh38, 1-based): chr12:57,751,285, C>A on the plus strand (G>T on the coding strand, the complement: CDK4 is on the minus strand). VCF-style: chr12-57751285-C-A. GRCh37 (hg19) VCF-style: chr12-58145068-C-A.
Identifiers: ClinVar variation 3002544 (VCV003002544.4), dbSNP rs918094121, ClinGen allele CA480404585.

ClinVar aggregate classification (germline): Benign/Likely benign. Review status: criteria provided, multiple submitters, no conflicts (2 of 4 stars). 2 submissions from 2 submitters: Benign (1); Likely benign (1). Last evaluated 2024-09-29.

Conditions:
Melanoma, cutaneous malignant, susceptibility to, 3. Also called: Cutaneous malignant melanoma 3. Identifiers: Orphanet 618, MedGen C1836892, MONDO:0012183, OMIM 609048.
Familial melanoma. Also called: Hereditary melanoma; Hereditary cutaneous melanoma. Identifiers: Orphanet 618, MedGen C1512419, MONDO:0018961.

Submissions (2):

Labcorp Genetics (formerly Invitae), Labcorp
Classification: Likely benign for Familial melanoma. Last evaluated: 2024-09-29. Review status: criteria provided, single submitter. Criteria: Invitae Variant Classification Sherloc (09022015). Collection method: clinical testing. Allele origin: germline.

Myriad Genetics, Inc.
Classification: Benign for Melanoma, cutaneous malignant, susceptibility to, 3. Last evaluated: 2024-09-25. Review status: criteria provided, single submitter. Criteria: Myriad Autosomal Dominant, Autosomal Recessive and X-Linked Classification Criteria (2023). Collection method: clinical testing. Allele origin: unknown.
Comment: This variant is considered benign. This variant is a silent/synonymous amino acid change and it is not expected to impact splicing.